The following is an entry in ClinVar:

NM_005070.4(SLC4A3):c.3437A>T (p.Tyr1146Phe)

Gene: SLC4A3 (solute carrier family 4 member 3; plus strand). Cytogenetic location: 2q35.
Variant type: single nucleotide variant.
Coding change: c.3437A>T on transcript NM_005070.4 (MANE Select); coding-DNA position 3437, A replaced by T.
Protein change: p.Tyr1146Phe; replaces tyrosine 1146 with phenylalanine.
Molecular consequence: missense variant. On other transcripts: non-coding transcript variant (1).
Genome position (GRCh38, 1-based): chr2:219,640,589, A>T. VCF-style: chr2-219640589-A-T. GRCh37 (hg19) VCF-style: chr2-220505311-A-T.
Other names: c.3518A>T, p.Tyr1173Phe (NM_001326559.2, NM_201574.3); c.3437A>T, p.Tyr1146Phe (NM_001438863.1); c.2843A>T, p.Tyr948Phe (NM_001438864.1); short protein forms Y1173F, Y948F, Y1146F.
Identifiers: ClinVar variation 4983059 (VCV004983059.1).
Genomic context (GRCh38, chr2:219,640,589, plus strand): 5'-AGCTGTCCCAGCGTTTGTTGCTCATCCTCATGCCGGCAAAACACCATCCTGAGCAGCCCT[A>T]TGTGACCAAGGTAGGGCCGGGAAGCATGGGGGTAGGGCAGTGGGGTGACGGGAAGGGGAT-3'
Protein context (NP_005061.3, residues 1136-1156): MPAKHHPEQP[Tyr1146Phe]VTKVKTWRMH

ClinVar aggregate classification (germline): Uncertain significance (1 of 4 stars; one submission).

Conditions:
SLC4A3-related disorder. Also called: SLC4A3-related condition.

Submission:

PreventionGenetics, part of Exact Sciences
Classification: Uncertain significance for SLC4A3-related condition. Last evaluated: 2025-11-30. Review status: criteria provided, single submitter. Criteria: ACMG Guidelines, 2015. Collection method: clinical testing. Allele origin: germline.
Comment: The SLC4A3 c.3518A>T variant is predicted to result in the amino acid substitution p.Tyr1173Phe. To our knowledge, this variant has not been reported in the literature or in a large population database (gnomAD), indicating this variant is rare. At this time, the clinical significance of this variant is uncertain due to the absence of conclusive functional and genetic evidence.